The following is an entry in ClinVar:

ClinVar aggregate classification (germline): Uncertain significance (1 of 4 stars; one submission).

Conditions:
Hereditary cancer-predisposing syndrome. Also called: Hereditary neoplastic syndrome; Neoplastic Syndromes, Hereditary; Tumor predisposition; Hereditary Cancer Syndrome. Identifiers: Orphanet 140162, MedGen C0027672, MeSH D009386, MONDO:0015356.

Submission:

Ambry Genetics
Classification: Uncertain significance for Hereditary cancer-predisposing syndrome. Last evaluated: 2025-08-27. Review status: criteria provided, single submitter. Criteria: Ambry Variant Classification Scheme 2023. Collection method: clinical testing. Allele origin: germline.
Comment: The p.E195V variant (also known as c.584A>T), located in coding exon 8 of the MUTYH gene, results from an A to T substitution at nucleotide position 584. The glutamic acid at codon 195 is replaced by valine, an amino acid with dissimilar properties. This amino acid position is conserved. In addition, the in silico prediction for this alteration is inconclusive. Based on the available evidence, the clinical significance of this variant remains unclear.

NM_001048174.2(MUTYH):c.500A>T (p.Glu167Val)

Gene: MUTYH (mutY DNA glycosylase; minus strand). Cytogenetic location: 1p34.1.
Variant type: single nucleotide variant.
Coding change: c.500A>T on transcript NM_001048174.2 (MANE Select); coding-DNA position 500, A replaced by T.
Protein change: p.Glu167Val; replaces glutamic acid 167 with valine.
Molecular consequence: missense variant. On other transcripts: non-coding transcript variant (7).
Genome position (GRCh38, 1-based): chr1:45,332,680, T>A on the plus strand (A>T on the coding strand, the complement: MUTYH is on the minus strand). VCF-style: chr1-45332680-T-A. GRCh37 (hg19) VCF-style: chr1-45798352-T-A.
Other names: c.500A>T, p.Glu167Val (NM_001048171.2, NM_001048173.2, NM_001407081.1 and 6 more transcripts); c.503A>T, p.Glu168Val (NM_001048172.2, NM_001407078.1, NM_001407086.1 and 1 more transcripts); c.584A>T, p.Glu195Val (NM_001128425.2); c.545A>T, p.Glu182Val (NM_001293190.2); c.533A>T, p.Glu178Val (NM_001293191.2, NM_001407077.1, NM_001407069.1); c.224A>T, p.Glu75Val (NM_001293192.2, NM_001407091.1, NM_001293196.2); c.461A>T, p.Glu154Val (NM_001407079.1); c.458A>T, p.Glu153Val (NM_001407080.1); and 5 more; short protein forms E139V, E178V, E181V, E192V, E153V, E154V, E167V, E182V.
Identifiers: ClinVar variation 4113741 (VCV004113741.1).